The following is an entry in ClinVar:

NM_032861.4(SERAC1):c.364A>G (p.Ser122Gly)

Gene: SERAC1 (serine active site containing 1; minus strand). Cytogenetic location: 6q25.3.
Variant type: single nucleotide variant.
Coding change: c.364A>G on transcript NM_032861.4 (MANE Select); coding-DNA position 364, A replaced by G.
Protein change: p.Ser122Gly; replaces serine 122 with glycine.
Molecular consequence: missense variant. On other transcripts: non-coding transcript variant (1).
Genome position (GRCh38, 1-based): chr6:158,146,905, T>C on the plus strand (A>G on the coding strand, the complement: SERAC1 is on the minus strand). VCF-style: chr6-158146905-T-C. GRCh37 (hg19) VCF-style: chr6-158567937-T-C.
Other names: short protein forms S122G.
Identifiers: ClinVar variation 760683 (VCV000760683.12), dbSNP rs191208250, ClinGen allele CA4071378.

ClinVar aggregate classification (germline): Benign/Likely benign. Review status: criteria provided, multiple submitters, no conflicts (2 of 4 stars). 2 submissions from 2 submitters: Benign (1); Likely benign (1). Last evaluated 2025-10-27.

Conditions:
SERAC1-related disorder. Also called: SERAC1-related disorders; SERAC1-related condition.
3-methylglutaconic aciduria with deafness, encephalopathy, and Leigh-like syndrome (MEGDEL). Also called: SERAC1 Deficiency; 3-METHYLGLUTACONIC ACIDURIA, TYPE VI; MEGDEL syndrome. Identifiers: Orphanet 352328, MedGen C4040739, MONDO:0013875, OMIM 614739.

Allele frequency attached by ClinVar (database versions not stated): gnomAD below 0.00001 and 0.00012; TOPMed 0.00001; gnomAD exomes 0.00014; 1000 Genomes Project 30x 0.00078; 1000 Genomes Project 0.00080.
gnomAD v4.1: 221 of 1,612,934 alleles (0.014%); highest among the groups gnomAD compares: South Asian, 0.24%; 2 homozygotes.

Submissions (2):

Labcorp Genetics (formerly Invitae), Labcorp
Classification: Benign for 3-methylglutaconic aciduria with deafness, encephalopathy, and Leigh-like syndrome. Last evaluated: 2025-10-27. Review status: criteria provided, single submitter. Criteria: Invitae Variant Classification Sherloc (09022015). Collection method: clinical testing. Allele origin: germline.

PreventionGenetics, part of Exact Sciences
Classification: Likely benign for SERAC1-related condition. Last evaluated: 2025-03-08. Review status: criteria provided, single submitter. Criteria: ACMG Guidelines, 2015. Collection method: clinical testing. Allele origin: germline.
Comment: This variant is classified as likely benign based on ACMG/AMP sequence variant interpretation guidelines (Richards et al. 2015 PMID: 25741868, with internal and published modifications).